The following is an entry in ClinVar:

ClinVar aggregate classification (germline): Benign (0 of 4 stars; one submission).

Conditions:
TTC21A-related disorder. Also called: TTC21A-related condition.

Allele frequency attached by ClinVar (database versions not stated): gnomAD exomes 0.00019; ExAC 0.00065; 1000 Genomes Project 0.00080; 1000 Genomes Project 30x 0.00125; gnomAD 0.00232; TOPMed 0.00271; ESP Exome Variant Server 0.00297.
gnomAD v4.1: 655 of 1,614,240 alleles (0.041%); highest among the groups gnomAD compares: African/African-American, 0.74%; 3 homozygotes.

Submission:

PreventionGenetics, part of Exact Sciences
Classification: Benign for TTC21A-related condition. Last evaluated: 2020-02-18. Review status: no assertion criteria provided. Collection method: clinical testing. Allele origin: germline.
Comment: This variant is classified as benign based on ACMG/AMP sequence variant interpretation guidelines (Richards et al. 2015 PMID: 25741868, with internal and published modifications).

NM_001366900.1(TTC21A):c.2037C>T (p.Ile679=)

Gene: TTC21A (tetratricopeptide repeat domain 21A; plus strand). Cytogenetic location: 3p22.2.
Variant type: single nucleotide variant.
Coding change: c.2037C>T on transcript NM_001366900.1 (MANE Select); coding-DNA position 2037, C replaced by T.
Protein change: p.Ile679=; no amino-acid change (isoleucine 679 retained).
Molecular consequence: synonymous variant. On other transcripts: non-coding transcript variant (3).
Genome position (GRCh38, 1-based): chr3:39,129,212, C>T. VCF-style: chr3-39129212-C-T. GRCh37 (hg19) VCF-style: chr3-39170703-C-T.
Other names: c.1914C>T, p.Ile638= (NM_001105513.3); c.2061C>T, p.Ile687= (NM_001366899.1); c.2058C>T, p.Ile686= (NM_145755.3).
Identifiers: ClinVar variation 3034825 (VCV003034825.2), dbSNP rs190533016, ClinGen allele CA2324558.